The following is an entry in ClinVar:

ClinVar aggregate classification (germline): Uncertain significance. Review status: criteria provided, multiple submitters, no conflicts (2 of 4 stars). 3 submissions from 3 submitters: Uncertain significance (3). Last evaluated 2025-06-09.

Allele frequency attached by ClinVar (database versions not stated): gnomAD exomes 0.00004; gnomAD 0.00005; TOPMed 0.00008; ExAC 0.00009; 1000 Genomes Project 30x 0.00031; 1000 Genomes Project 0.00040.
gnomAD v4.1: 65 of 1,614,118 alleles (0.004%); highest among the groups gnomAD compares: East Asian, 0.1%; no homozygotes.

Submissions (3):

GeneDx
Classification: Uncertain significance. Last evaluated: 2025-06-09. Review status: criteria provided, single submitter. Criteria: GeneDx Variant Classification Process June 2021. Collection method: clinical testing. Allele origin: germline.
Comment: In silico analysis supports that this missense variant has a deleterious effect on protein structure/function; Has not been previously published as pathogenic or benign to our knowledge

Labcorp Genetics (formerly Invitae), Labcorp
Classification: Uncertain significance. Last evaluated: 2024-04-08. Review status: criteria provided, single submitter. Criteria: Invitae Variant Classification Sherloc (09022015). Collection method: clinical testing. Allele origin: germline.
Comment: This sequence change replaces proline, which is neutral and non-polar, with leucine, which is neutral and non-polar, at codon 52 of the LIG1 protein (p.Pro52Leu). This variant is present in population databases (rs4987181, gnomAD 0.06%). This variant has not been reported in the literature in individuals affected with LIG1-related conditions. ClinVar contains an entry for this variant (Variation ID: 1906231). An algorithm developed to predict the effect of missense changes on protein structure and function (PolyPhen-2) suggests that this variant is likely to be disruptive. In summary, the available evidence is currently insufficient to determine the role of this variant in disease. Therefore, it has been classified as a Variant of Uncertain Significance.

Blueprint Genetics
Classification: Uncertain significance. Last evaluated: 2024-03-26. Review status: criteria provided, single submitter. Criteria: ACMG Guidelines, 2015. Collection method: clinical testing. Allele origin: germline.

NM_000234.3(LIG1):c.155C>T (p.Pro52Leu)

Gene: LIG1 (DNA ligase 1; minus strand). Cytogenetic location: 19q13.33.
Variant type: single nucleotide variant.
Coding change: c.155C>T on transcript NM_000234.3 (MANE Select); coding-DNA position 155, C replaced by T.
Protein change: p.Pro52Leu; replaces proline 52 with leucine.
Molecular consequence: missense variant. On other transcripts: non-coding transcript variant (6).
Genome position (GRCh38, 1-based): chr19:48,161,460, G>A on the plus strand (C>T on the coding strand, the complement: LIG1 is on the minus strand). VCF-style: chr19-48161460-G-A. GRCh37 (hg19) VCF-style: chr19-48664717-G-A.
Other names: c.65C>T, p.Pro22Leu (NM_001289063.2, NM_001320971.2); c.155C>T, p.Pro52Leu (NM_001289064.2, NM_001320970.2); short protein forms P52L, P22L.
Identifiers: ClinVar variation 1906231 (VCV001906231.6), dbSNP rs4987181, ClinGen allele CA9547412.